The following is an entry in ClinVar:

NM_014991.6(WDFY3):c.6389T>C (p.Ile2130Thr)

Gene: WDFY3 (WD repeat and FYVE domain containing 3; minus strand). Cytogenetic location: 4q21.23.
Variant type: single nucleotide variant.
Coding change: c.6389T>C on transcript NM_014991.6 (MANE Select); coding-DNA position 6389, T replaced by C.
Protein change: p.Ile2130Thr; replaces isoleucine 2130 with threonine.
Molecular consequence: missense variant.
Genome position (GRCh38, 1-based): chr4:84,740,262, A>G on the plus strand (T>C on the coding strand, the complement: WDFY3 is on the minus strand). VCF-style: chr4-84740262-A-G. GRCh37 (hg19) VCF-style: chr4-85661415-A-G.
Other names: short protein forms I2130T.
Identifiers: ClinVar variation 2499391 (VCV002499391.1), dbSNP rs2532082589, ClinGen allele CA357556226.
Genomic context (GRCh38, chr4:84,740,262, plus strand): 5'-TTTATCAAGCAGTGGGCCAGACAGCTAATGAATTCTTGGTCATGGTTCCCAGGTCCCAGG[A>G]TCAAGTTTCTGTTTACAGTGAGGACCCTGAGTGAATCAAGCAGAGCTACTTGCTGAGGAA-3'
Protein context (NP_055806.2, residues 2120-2140): LRVLTVNRNL[Ile2130Thr]LGPGNHDQEF

ClinVar aggregate classification (germline): Uncertain significance (1 of 4 stars; one submission).

Allele frequency attached by ClinVar (database versions not stated): gnomAD exomes below 0.00001.
gnomAD v4.1: 3 of 1,614,052 alleles (0.00019%); highest among the groups gnomAD compares: Non-Finnish European, 0.00025%; no homozygotes.

Submission:

GeneDx
Classification: Uncertain significance. Last evaluated: 2022-10-04. Review status: criteria provided, single submitter. Criteria: GeneDx Variant Classification Process June 2021. Collection method: clinical testing. Allele origin: germline. Affected: yes.
Comment: Not observed at significant frequency in large population cohorts (gnomAD); In silico analysis supports that this missense variant has a deleterious effect on protein structure/function; Has not been previously published as pathogenic or benign to our knowledge